The following is an entry in ClinVar:

ClinVar aggregate classification (germline): Pathogenic. Review status: criteria provided, multiple submitters, no conflicts (2 of 4 stars). 3 submissions from 3 submitters: Pathogenic (3). Last evaluated 2025-08-29.

Conditions:
ACAN-related disorder. Also called: ACAN-related disorders; ACAN-related condition.

Allele frequency attached by ClinVar (database versions not stated): ExAC 0.00001.
gnomAD v4.1: 2 of 1,613,512 alleles (0.00012%); highest among the groups gnomAD compares: Non-Finnish European, 0.000085%; no homozygotes.

Submissions (3):

GeneDx
Classification: Pathogenic. Last evaluated: 2025-08-29. Review status: criteria provided, single submitter. Criteria: GeneDx Variant Classification Process June 2021. Collection method: clinical testing. Allele origin: germline. Affected: yes.
Comment: Not observed at significant frequency in large population cohorts (gnomAD); Non-canonical splice site variant demonstrated to result in loss of function (PMID: 38782218); This variant is associated with the following publications: (PMID: 38782218)

Labcorp Genetics (formerly Invitae), Labcorp
Classification: Pathogenic. Last evaluated: 2025-03-31. Review status: criteria provided, single submitter. Criteria: Invitae Variant Classification Sherloc (09022015). Collection method: clinical testing. Allele origin: germline.
Comment: This sequence change falls in intron 4 of the ACAN gene. It does not directly change the encoded amino acid sequence of the ACAN protein. This variant is present in population databases (rs750130640, gnomAD 0.004%). This variant has been observed in individual(s) with clinical features of autosomal dominant ACAN-related conditions (internal data). In at least one individual the variant was observed to be de novo. ClinVar contains an entry for this variant (Variation ID: 1520307). Algorithms developed to predict the effect of sequence changes on RNA splicing suggest that this variant may disrupt the consensus splice site. For these reasons, this variant has been classified as Pathogenic.

Blueprint Genetics
Classification: Pathogenic for ACAN-related disorders. Last evaluated: 2024-11-20. Review status: criteria provided, single submitter. Criteria: ACMG Guidelines, 2015. Collection method: clinical testing. Allele origin: germline. Affected: yes. Observed: 1 variant allele.

NM_001369268.1(ACAN):c.630-13G>A

Gene: ACAN (aggrecan; plus strand). Cytogenetic location: 15q26.1.
Variant type: single nucleotide variant.
Coding change: c.630-13G>A on transcript NM_001369268.1 (MANE Select); 13 bases into the intron before coding-DNA position 630, G replaced by A.
Molecular consequence: intron variant.
Genome position (GRCh38, 1-based): chr15:88,841,727, G>A. VCF-style: chr15-88841727-G-A. GRCh37 (hg19) VCF-style: chr15-89384958-G-A.
Other names: c.630-13G>A (NM_013227.4, NM_001135.4).
Identifiers: ClinVar variation 1520307 (VCV001520307.8), dbSNP rs750130640, ClinGen allele CA7719303.
Genomic context (GRCh38, chr15:88,841,727, plus strand): 5'-GGATTCAAAGGCAGAGGCCATGGGCTTCCCTTTGTCCCCTGAGTGTCACACCTCCATTTC[G>A]GGTTCCTGGCAGATACCCCATCCACACTCCCCGGGAAGGCTGCTATGGAGACAAGGATGA-3'